The following is an entry in ClinVar:

ClinVar aggregate classification (germline): Likely benign. Review status: criteria provided, multiple submitters, no conflicts (2 of 4 stars). 2 submissions from 2 submitters: Likely benign (2). Last evaluated 2026-07-08.

Conditions:
Rhabdoid tumor predisposition syndrome 2 (RTPS2). Identifiers: Orphanet 231108, Orphanet 69077, MedGen C2750074, MONDO:0013224, OMIM 613325.

Submissions (2):

Myriad Genetics, Inc.
Classification: Likely benign for Rhabdoid tumor predisposition syndrome 2. Last evaluated: 2026-07-08. Review status: criteria provided, single submitter. Criteria: Myriad Autosomal Dominant, Autosomal Recessive and X-Linked Classification Criteria (2023). Collection method: clinical testing. Allele origin: unknown.
Comment: This variant is considered likely benign. This variant is intronic and is not expected to impact mRNA splicing.

Labcorp Genetics (formerly Invitae), Labcorp
Classification: Likely benign for Rhabdoid tumor predisposition syndrome 2. Last evaluated: 2019-08-20. Review status: criteria provided, single submitter. Criteria: Invitae Variant Classification Sherloc (09022015). Collection method: clinical testing. Allele origin: germline.

NM_003072.5(SMARCA4):c.3951+7G>T

Gene: SMARCA4 (SWI/SNF related BAF chromatin remodeling complex subunit ATPase 4; plus strand). Cytogenetic location: 19p13.2.
Variant type: single nucleotide variant.
Coding change: c.3951+7G>T on transcript NM_003072.5 (MANE Select); 7 bases into the intron after coding-DNA position 3951, G replaced by T.
Molecular consequence: intron variant.
Genome position (GRCh38, 1-based): chr19:11,034,207, G>T. VCF-style: chr19-11034207-G-T. GRCh37 (hg19) VCF-style: chr19-11144883-G-T.
Other names: c.3951+7G>T (NM_001128844.3, NM_001128849.3, NM_001387283.1); c.3852+7G>T (NM_001128847.4, NM_001374457.1, NM_001128845.2 and 2 more transcripts).
Identifiers: ClinVar variation 1084582 (VCV001084582.10), dbSNP rs543683431, ClinGen allele CA2499225298.